The following is an entry in ClinVar:

ClinVar aggregate classification (germline): Uncertain significance. Review status: criteria provided, multiple submitters, no conflicts (2 of 4 stars). 3 submissions from 3 submitters: Uncertain significance (2). 1 of the submissions does not count toward it. Last evaluated 2022-05-28.

Conditions:
PCNT-related disorder. Also called: PCNT-related condition.

Allele frequency attached by ClinVar (database versions not stated): gnomAD 0.00003; TOPMed 0.00006; gnomAD exomes 0.00032; ExAC 0.00036.
gnomAD v4.1: 91 of 1,613,666 alleles (0.0056%); highest among the groups gnomAD compares: Admixed American, 0.14%; 2 homozygotes.

Submissions (3):

Labcorp Genetics (formerly Invitae), Labcorp
Classification: Uncertain significance. Last evaluated: 2022-05-28. Review status: criteria provided, single submitter. Criteria: Invitae Variant Classification Sherloc (09022015). Collection method: clinical testing. Allele origin: germline.
Comment: This sequence change replaces alanine, which is neutral and non-polar, with proline, which is neutral and non-polar, at codon 1157 of the PCNT protein (p.Ala1157Pro). This variant is present in population databases (rs778900170, gnomAD 0.2%), including at least one homozygous and/or hemizygous individual. This variant has not been reported in the literature in individuals affected with PCNT-related conditions. ClinVar contains an entry for this variant (Variation ID: 436191). Algorithms developed to predict the effect of missense changes on protein structure and function are either unavailable or do not agree on the potential impact of this missense change (SIFT: "Tolerated"; PolyPhen-2: "Possibly Damaging"; Align-GVGD: "Class C0"). In summary, the available evidence is currently insufficient to determine the role of this variant in disease. Therefore, it has been classified as a Variant of Uncertain Significance.

Genetic Services Laboratory, University of Chicago
Classification: Uncertain significance. Last evaluated: 2016-04-01. Review status: criteria provided, single submitter. Criteria: ACMG Guidelines, 2015. Collection method: clinical testing. Allele origin: germline. Affected: no.

PreventionGenetics, part of Exact Sciences
Classification: Likely benign for PCNT-related condition. Last evaluated: 2022-03-29. Review status: no assertion criteria provided. Collection method: clinical testing. Allele origin: germline. Not counted in ClinVar's aggregate classification.
Comment: This variant is classified as likely benign based on ACMG/AMP sequence variant interpretation guidelines (Richards et al. 2015 PMID: 25741868, with internal and published modifications).

NM_006031.6(PCNT):c.3469G>C (p.Ala1157Pro)

Gene: PCNT (pericentrin; plus strand). Cytogenetic location: 21q22.3.
Variant type: single nucleotide variant.
Coding change: c.3469G>C on transcript NM_006031.6 (MANE Select); coding-DNA position 3469, G replaced by C.
Protein change: p.Ala1157Pro; replaces alanine 1157 with proline.
Molecular consequence: missense variant.
Genome position (GRCh38, 1-based): chr21:46,388,746, G>C. VCF-style: chr21-46388746-G-C. GRCh37 (hg19) VCF-style: chr21-47808661-G-C.
Other names: c.3115G>C, p.Ala1039Pro (NM_001315529.2); short protein forms A1157P, A1039P.
Identifiers: ClinVar variation 436191 (VCV000436191.9), dbSNP rs778900170, ClinGen allele CA10079333.